The following is an entry in ClinVar:

NM_005343.4(HRAS):c.323A>G (p.Asp108Gly)

Genes: HRAS (HRas proto-oncogene, GTPase; minus strand), LRRC56 (leucine rich repeat containing 56; plus strand). Cytogenetic location: 11p15.5.
Variant type: single nucleotide variant.
Coding change: c.323A>G on transcript NM_005343.4 (MANE Select); coding-DNA position 323, A replaced by G.
Protein change: p.Asp108Gly; replaces aspartic acid 108 with glycine.
Molecular consequence: missense variant.
Genome position (GRCh38, 1-based): chr11:533,580, T>C on the plus strand (A>G on the coding strand, the complement: HRAS is on the minus strand). VCF-style: chr11-533580-T-C. GRCh37 (hg19) VCF-style: chr11-533580-T-C.
Other names: c.323A>G, p.Asp108Gly (NM_001130442.3, NM_176795.5); c.4A>G, p.Thr2Ala (NM_001318054.2); short protein forms D108G, T2A.
Identifiers: ClinVar variation 1906088 (VCV001906088.5), dbSNP rs2133987715, ClinGen allele CA378923709.

ClinVar aggregate classification (germline): Uncertain significance (1 of 4 stars; one submission).

Conditions:
Costello syndrome (CSTLO). Also called: FCS SYNDROME; FACIOCUTANEOSKELETAL SYNDROME; HRAS-Related Costello Syndrome. Identifiers: Orphanet 3071, MedGen C0587248, MONDO:0009026, OMIM 218040.

Submission:

Labcorp Genetics (formerly Invitae), Labcorp
Classification: Uncertain significance for Costello syndrome. Last evaluated: 2022-04-22. Review status: criteria provided, single submitter. Criteria: Invitae Variant Classification Sherloc (09022015). Collection method: clinical testing. Allele origin: germline.
Comment: This variant has not been reported in the literature in individuals affected with HRAS-related conditions. In summary, the available evidence is currently insufficient to determine the role of this variant in disease. Therefore, it has been classified as a Variant of Uncertain Significance. Advanced modeling of protein sequence and biophysical properties (such as structural, functional, and spatial information, amino acid conservation, physicochemical variation, residue mobility, and thermodynamic stability) performed at Invitae indicates that this missense variant is not expected to disrupt HRAS protein function. This variant is not present in population databases (gnomAD no frequency). This sequence change replaces aspartic acid, which is acidic and polar, with glycine, which is neutral and non-polar, at codon 108 of the HRAS protein (p.Asp108Gly).